The following is an entry in ClinVar:

ClinVar aggregate classification (germline): Uncertain significance (1 of 4 stars; one submission).

Conditions:
Fabry disease. Also called: ALPHA-GALACTOSIDASE A DEFICIENCY; ANDERSON-FABRY DISEASE; CERAMIDE TRIHEXOSIDASE DEFICIENCY; GLA DEFICIENCY; HEREDITARY DYSTOPIC LIPIDOSIS; Angiokeratoma corporis diffusum. Identifiers: Orphanet 324, MedGen C0002986, MONDO:0010526, OMIM 301500, HP:0001071. Disease mechanism: Fabry disease is due to inactivating mutations in the X-linked GLA gene resulting in deficiency of the enzyme Alpha Galactosidase-A., loss of function.

Submission:

Genomenon, Inc
Classification: Uncertain significance for Fabry disease. Last evaluated: 2026-09-08. Review status: criteria provided, single submitter. Criteria: Genomenon Sequence Variant Interpretation Standards - Updated. Collection method: curation. Allele origin: germline. Affected: yes.
Comment: GLA p.Phe396_Arg402dup (c.1188_1208dup) is an in-frame duplication variant that results in the duplication of multiple amino acids, from Phenylalanine at codon 396 to Arginine at codon 402. This variant has been observed in at least one proband with clinical features consistent with Fabry disease (PMID:39609713). Functional or patient cell studies have been reported (PMID:39609713). It is absent or not present at a significant frequency in gnomAD. In conclusion, we classify GLA p.Phe396_Arg402dup (c.1188_1208dup) as a variant of uncertain significance.

Literature cited by the submitters: PubMed 39609713.

NM_000169.3(GLA):c.1188_1208dup (p.Arg402_Leu403insPheTyrGluTrpThrSerArg)

Genes: GLA (galactosidase alpha; minus strand), RPL36A-HNRNPH2 (RPL36A-HNRNPH2 readthrough; plus strand). Cytogenetic location: Xq22.1.
Variant type: Duplication.
Coding change: c.1188_1208dup on transcript NM_000169.3 (MANE Select); coding-DNA positions 1188 to 1208, 21 bases duplicated (CTATGAATGGACTTCAAGGTT).
Protein change: p.Arg402_Leu403insPheTyrGluTrpThrSerArg.
Molecular consequence: inframe insertion. On other transcripts: non-coding transcript variant (3), intron variant (2).
Genome position (GRCh38, 1-based): chrX:101,397,891-101,397,911, AACCTTGAAGTCCATTCATAG duplicated on the plus strand (CTATGAATGGACTTCAAGGTT on the coding strand, the reverse complement: GLA is on the minus strand); duplicating any 21 consecutive bases within chrX:101,397,891-101,397,915 gives the same sequence; the c. name uses the placement nearest the transcript's 3' end. VCF-style (leftmost placement, unchanged base first): chrX-101397890-T-TAACCTTGAAGTCCATTCATAG. GRCh37 (hg19) VCF-style: chrX-100652878-T-TAACCTTGAAGTCCATTCATAG.
Other names: c.1311_1331dup, p.Arg443_Leu444insPheTyrGluTrpThrSerArg (NM_001406747.1); c.300+2438_300+2458dup (NM_001199973.2); c.177+6073_177+6093dup (NM_001199974.2).
Identifiers: ClinVar variation 4087246 (VCV004087246.2).